The following is an entry in ClinVar:

NM_005633.4(SOS1):c.1448C>T (p.Ala483Val)

Gene: SOS1 (SOS Ras/Rac guanine nucleotide exchange factor 1; minus strand). Cytogenetic location: 2p22.1.
Variant type: single nucleotide variant.
Coding change: c.1448C>T on transcript NM_005633.4 (MANE Select); coding-DNA position 1448, C replaced by T.
Protein change: p.Ala483Val; replaces alanine 483 with valine.
Molecular consequence: missense variant.
Genome position (GRCh38, 1-based): chr2:39,022,980, G>A on the plus strand (C>T on the coding strand, the complement: SOS1 is on the minus strand). VCF-style: chr2-39022980-G-A. GRCh37 (hg19) VCF-style: chr2-39250121-G-A.
Other names: c.1427C>T, p.Ala476Val (NM_001382394.1); c.1448C>T, p.Ala483Val (NM_001382395.1); short protein forms A476V, A483V.
Identifiers: ClinVar variation 3666497 (VCV003666497.2).
Genomic context (GRCh38, chr2:39,022,980, plus strand): 5'-TCATTAATTTGTACCTTTCGCATAAAAAACTTTTCTTTAAGACGATATTCTGCATTGCTA[G>A]CACCAGGAAGTCTTGGCTGCCCATGATTTGATTTACAGCAAATCATTAAGCCATCAAAGA-3'
Protein context (NP_005624.2, residues 473-493): SNHGQPRLPG[Ala483Val]SNAEYRLKEK

ClinVar aggregate classification (germline): Uncertain significance (1 of 4 stars; one submission).

Conditions:
RASopathy. Also called: Noonan spectrum disorder; rasopathies. Identifiers: Orphanet 536391, MedGen C5555857, MONDO:0021060.

gnomAD v4.1: 1 of 1,613,736 alleles (0.000062%); highest among the groups gnomAD compares: Non-Finnish European, 0.000085%; no homozygotes.

Submission:

Labcorp Genetics (formerly Invitae), Labcorp
Classification: Uncertain significance for RASopathy. Last evaluated: 2024-09-08. Review status: criteria provided, single submitter. Criteria: Invitae Variant Classification Sherloc (09022015). Collection method: clinical testing. Allele origin: germline.
Comment: This sequence change replaces alanine, which is neutral and non-polar, with valine, which is neutral and non-polar, at codon 483 of the SOS1 protein (p.Ala483Val). This variant is not present in population databases (gnomAD no frequency). This variant has not been reported in the literature in individuals affected with SOS1-related conditions. Invitae Evidence Modeling of protein sequence and biophysical properties (such as structural, functional, and spatial information, amino acid conservation, physicochemical variation, residue mobility, and thermodynamic stability) indicates that this missense variant is not expected to disrupt SOS1 protein function with a negative predictive value of 80%. In summary, the available evidence is currently insufficient to determine the role of this variant in disease. Therefore, it has been classified as a Variant of Uncertain Significance.